The following is an entry in ClinVar:

ClinVar aggregate classification (germline): Uncertain significance (1 of 4 stars; one submission).

Conditions:
Hereditary hyperekplexia. Identifiers: Orphanet 3197, MedGen C4084968, MONDO:0021022.

gnomAD v4.1: 4 of 1,614,084 alleles (0.00025%); highest among the groups gnomAD compares: Non-Finnish European, 0.00025%; no homozygotes.

Submission:

Labcorp Genetics (formerly Invitae), Labcorp
Classification: Uncertain significance for Hereditary hyperekplexia. Last evaluated: 2025-09-15. Review status: criteria provided, single submitter. Criteria: Invitae Variant Classification Sherloc (09022015). Collection method: clinical testing. Allele origin: germline.
Comment: This sequence change replaces arginine, which is basic and polar, with tryptophan, which is neutral and slightly polar, at codon 337 of the GLRA1 protein (p.Arg337Trp). This variant is present in population databases (rs746998896, gnomAD 0.004%). This variant has not been reported in the literature in individuals affected with GLRA1-related conditions. Invitae Evidence Modeling of protein sequence and biophysical properties (such as structural, functional, and spatial information, amino acid conservation, physicochemical variation, residue mobility, and thermodynamic stability) has been performed for this missense variant. However, the output from this modeling did not meet the statistical confidence thresholds required to predict the impact of this variant on GLRA1 protein function. In summary, the available evidence is currently insufficient to determine the role of this variant in disease. Therefore, it has been classified as a Variant of Uncertain Significance.

NM_000171.4(GLRA1):c.1009C>T (p.Arg337Trp)

Gene: GLRA1 (glycine receptor alpha 1; minus strand). Cytogenetic location: 5q33.1.
Variant type: single nucleotide variant.
Coding change: c.1009C>T on transcript NM_000171.4 (MANE Select); coding-DNA position 1009, C replaced by T.
Protein change: p.Arg337Trp; replaces arginine 337 with tryptophan.
Molecular consequence: missense variant.
Genome position (GRCh38, 1-based): chr5:151,828,971, G>A on the plus strand (C>T on the coding strand, the complement: GLRA1 is on the minus strand). VCF-style: chr5-151828971-G-A. GRCh37 (hg19) VCF-style: chr5-151208532-G-A.
Other names: c.1009C>T, p.Arg337Trp (NM_001146040.2); c.760C>T, p.Arg254Trp (NM_001292000.2); short protein forms R254W, R337W.
Identifiers: ClinVar variation 4759198 (VCV004759198.1).